The following is an entry in ClinVar:

ClinVar aggregate classification (germline): Conflicting classifications of pathogenicity. Review status: criteria provided, conflicting classifications (1 of 4 stars). 2 submissions from 2 submitters: Likely pathogenic (1); Uncertain significance (1). Last evaluated 2023-05-23.

Conditions:
Inborn genetic diseases. Identifiers: MedGen C0950123, MeSH D030342.
Autosomal recessive Robinow syndrome (RRS1). Also called: COSTOVERTEBRAL SEGMENTATION DEFECT WITH MESOMELIA; COVESDEM SYNDROME; ROR2-Related Robinow Syndrome; ROBINOW SYNDROME, AUTOSOMAL RECESSIVE 1. Identifiers: Orphanet 1507, Orphanet 97360, MedGen C5399974, MONDO:0009999, OMIM 268310.

Allele frequency attached by ClinVar (database versions not stated): ExAC 0.00001.
gnomAD v4.1: 3 of 1,614,208 alleles (0.00019%); highest among the groups gnomAD compares: Non-Finnish European, 0.00025%; no homozygotes.

Submissions (2):

Ambry Genetics
Classification: Uncertain significance for Inborn genetic diseases. Last evaluated: 2023-05-23. Review status: criteria provided, single submitter. Criteria: Ambry Variant Classification Scheme 2023. Collection method: clinical testing. Allele origin: germline.

CHU Sainte-Justine Research Center, University of Montreal
Classification: Likely pathogenic for Autosomal recessive Robinow syndrome. Last evaluated: 2022-01-04. Review status: criteria provided, single submitter. Criteria: ACMG Guidelines, 2015. Collection method: clinical testing. Allele origin: paternal. Affected: yes.
Comment: Compound heterozygous with NM_004560.3:c.640G>C

NM_004560.4(ROR2):c.1856G>A (p.Arg619His)

Gene: ROR2 (receptor tyrosine kinase like orphan receptor 2; minus strand). Cytogenetic location: 9q22.31.
Variant type: single nucleotide variant.
Coding change: c.1856G>A on transcript NM_004560.4 (MANE Select); coding-DNA position 1856, G replaced by A.
Protein change: p.Arg619His; replaces arginine 619 with histidine.
Molecular consequence: missense variant.
Genome position (GRCh38, 1-based): chr9:91,724,638, C>T on the plus strand (G>A on the coding strand, the complement: ROR2 is on the minus strand). VCF-style: chr9-91724638-C-T. GRCh37 (hg19) VCF-style: chr9-94486920-C-T.
Other names: short protein forms R619H.
Identifiers: ClinVar variation 2412791 (VCV002412791.3), dbSNP rs779165681, ClinGen allele CA5120547.